The following is an entry in ClinVar:

NM_000092.5(COL4A4):c.4550T>G (p.Phe1517Cys)

Gene: COL4A4 (collagen type IV alpha 4 chain; minus strand). Cytogenetic location: 2q36.3.
Variant type: single nucleotide variant.
Coding change: c.4550T>G on transcript NM_000092.5 (MANE Select); coding-DNA position 4550, T replaced by G.
Protein change: p.Phe1517Cys; replaces phenylalanine 1517 with cysteine.
Molecular consequence: missense variant.
Genome position (GRCh38, 1-based): chr2:227,008,277, A>C on the plus strand (T>G on the coding strand, the complement: COL4A4 is on the minus strand). VCF-style: chr2-227008277-A-C. GRCh37 (hg19) VCF-style: chr2-227872993-A-C.
Other names: short protein forms F1517C.
Identifiers: ClinVar variation 2907333 (VCV002907333.5), dbSNP rs1575697378, ClinGen allele CA351140993.

ClinVar aggregate classification (germline): Uncertain significance. Review status: criteria provided, multiple submitters, no conflicts (2 of 4 stars). 2 submissions from 2 submitters: Uncertain significance (2). Last evaluated 2025-02-27.

Conditions:
Alport syndrome. Also called: Hemorrhagic familial nephritis; Hemorrhagic hereditary nephritis; Congenital hereditary hematuria. Identifiers: Orphanet 63, MedGen C1567741, MONDO:0018965.

Submissions (2):

Victorian Clinical Genetics Services, Murdoch Childrens Research Institute
Classification: Uncertain significance for Alport syndrome. Last evaluated: 2025-02-27. Review status: criteria provided, single submitter. Criteria: ACMG Guidelines, 2015. Collection method: clinical testing. Allele origin: germline. Affected: yes.
Comment: This variant is classified as VUS-3A. Evidence in support of pathogenic classification: Variant is absent from gnomAD (v2, v3 and v4); This variant has limited previous evidence of pathogenicity in unrelated individual(s). This variant has been observed in a heterozygous individual with chronic microscopic haematuria and classified as a VUS by a clinical laboratory in ClinVar (personal communication). This variant has also been reported in the literature in a compound heterozygous individual with chronic kidney disease (PMID: 31515789); Missense variant predicted to be damaging by in silico tool(s) or highly conserved with a major amino acid change. Additional information: Variant is predicted to result in a missense amino acid change from phenylalanine to cysteine; This variant is heterozygous; This gene is associated with both recessive and dominant disease. Alport syndrome typically has biallelic inheritance, although rare cases of monoallelic inheritance have been reported (PMID: 28704582). Thin basement membrane nephropathy (TBMN) and focal segmental glomerulosclerosis (FSGS) are associated with autosomal dominant inheritance (OMIM, PMIDs: 16467446, 17942953); No published functional evidence has been identified for this variant; Another missense variant(s) comparable to the one identified in this case has inconclusive previous evidence for pathogenicity. p.(Phe1517Ser) has been classified as a VUS by a clinical laboratory in ClinVar; Variant is located in the annotated C-terminal tandem repeated domain in type 4 procollagen (DECIPHER); Loss of function is a known mechanism of disease for this gene and is associated with Alport syndrome. Dominant negative is a suspected mechanism of disease for this gene as it is a structural protein (PMIDs: 12028435, 24046192); Inheritance information for this variant is not currently available in this individual.

Labcorp Genetics (formerly Invitae), Labcorp
Classification: Uncertain significance. Last evaluated: 2023-07-20. Review status: criteria provided, single submitter. Criteria: Invitae Variant Classification Sherloc (09022015). Collection method: clinical testing. Allele origin: germline.
Comment: This sequence change replaces phenylalanine, which is neutral and non-polar, with cysteine, which is neutral and slightly polar, at codon 1517 of the COL4A4 protein (p.Phe1517Cys). This variant is not present in population databases (gnomAD no frequency). This missense change has been observed in individuals with Alport syndrome (PMID: 31515789; Invitae). Advanced modeling of protein sequence and biophysical properties (such as structural, functional, and spatial information, amino acid conservation, physicochemical variation, residue mobility, and thermodynamic stability) performed at Invitae indicates that this missense variant is not expected to disrupt COL4A4 protein function. In summary, the available evidence is currently insufficient to determine the role of this variant in disease. Therefore, it has been classified as a Variant of Uncertain Significance.

Literature cited by the submitters: PubMed 24046192 (cited by Victorian Clinical Genetics Services, Murdoch Childrens Research Institute); PubMed 31515789 (cited by Victorian Clinical Genetics Services, Murdoch Childrens Research Institute and Labcorp Genetics (formerly Invitae), Labcorp); PubMed 16467446 (cited by Victorian Clinical Genetics Services, Murdoch Childrens Research Institute); PubMed 12028435 (cited by Victorian Clinical Genetics Services, Murdoch Childrens Research Institute); PubMed 28704582 (cited by Victorian Clinical Genetics Services, Murdoch Childrens Research Institute); PubMed 17942953 (cited by Victorian Clinical Genetics Services, Murdoch Childrens Research Institute).